The following is an entry in ClinVar:

ClinVar aggregate classification (germline): Likely benign. Review status: criteria provided, single submitter (1 of 4 stars). 2 submissions from 2 submitters: Likely benign (1). 1 of the submissions does not count toward it. Last evaluated 2025-09-23.

Conditions:
CACNA1H-related disorder.
Idiopathic generalized epilepsy. Also called: Generalised epilepsy; EIG. Identifiers: MedGen C0270850, MONDO:0005579, OMIM 600669.
Hyperaldosteronism, familial, type IV (HALD4). Also called: FH IV; ALDOSTERONISM, PRIMARY, AND HYPERTENSION. Identifiers: Orphanet 642671, MedGen C4310756, MONDO:0014875, OMIM 617027.

Allele frequency attached by ClinVar (database versions not stated): gnomAD exomes 0.00009; 1000 Genomes Project 0.00040; TOPMed 0.00015; gnomAD 0.00016 and 0.00015; ESP Exome Variant Server 0.00025; ExAC 0.00009; 1000 Genomes Project 30x 0.00031.
gnomAD v4.1: 92 of 1,519,830 alleles (0.0061%); highest among the groups gnomAD compares: African/African-American, 0.046%; no homozygotes.

Submissions (2):

Labcorp Genetics (formerly Invitae), Labcorp
Classification: Likely benign for Idiopathic generalized epilepsy; Hyperaldosteronism, familial, type IV. Last evaluated: 2025-09-23. Review status: criteria provided, single submitter. Criteria: Invitae Variant Classification Sherloc (09022015). Collection method: clinical testing. Allele origin: germline.

PreventionGenetics, part of Exact Sciences
Classification: Likely benign for CACNA1H-related condition. Last evaluated: 2019-05-09. Review status: no assertion criteria provided. Collection method: clinical testing. Allele origin: germline. Not counted in ClinVar's aggregate classification.
Comment: This variant is classified as likely benign based on ACMG/AMP sequence variant interpretation guidelines (Richards et al. 2015 PMID: 25741868, with internal and published modifications).

NM_021098.3(CACNA1H):c.6249G>A (p.Pro2083=)

Gene: CACNA1H (calcium voltage-gated channel subunit alpha1 H; plus strand). Cytogenetic location: 16p13.3.
Variant type: single nucleotide variant.
Coding change: c.6249G>A on transcript NM_021098.3 (MANE Select); coding-DNA position 6249, G replaced by A.
Protein change: p.Pro2083=; no amino-acid change (proline 2083 retained).
Molecular consequence: synonymous variant.
Genome position (GRCh38, 1-based): chr16:1,220,181, G>A. VCF-style: chr16-1220181-G-A. GRCh37 (hg19) VCF-style: chr16-1270181-G-A.
Other names: c.6231G>A, p.Pro2077= (NM_001005407.2).
Identifiers: ClinVar variation 709294 (VCV000709294.13), dbSNP rs376251979, ClinGen allele CA7802281.
Genomic context (GRCh38, chr16:1,220,181, plus strand): 5'-GCCCGCCAGCGTCCGCACTCGTAAGCATACCTTCGGACAGCGCTGCGTCTCCAGCCGGCC[G>A]GCGGCCCCAGGCGGAGAGGAGGCCGAGGCCTCGGACCCAGCCGACGAGGAGGTCAGCCAC-3'
Protein context (NP_066921.2, residues 2073-2093): TFGQRCVSSR[Pro2083=]AAPGGEEAEA